The following is an entry in ClinVar:

ClinVar aggregate classification (germline): Likely benign. Review status: criteria provided, multiple submitters, no conflicts (2 of 4 stars). 3 submissions from 3 submitters: Likely benign (2). 1 of the submissions does not count toward it. Last evaluated 2024-03-04.

Conditions:
ITGB3-related disorder. Also called: ITGB3-related condition.

Allele frequency attached by ClinVar (database versions not stated): TOPMed 0.00006; gnomAD 0.00008; ESP Exome Variant Server 0.00023.

Submissions (3):

Labcorp Genetics (formerly Invitae), Labcorp
Classification: Likely benign. Last evaluated: 2024-03-04. Review status: criteria provided, single submitter. Criteria: Invitae Variant Classification Sherloc (09022015). Collection method: clinical testing. Allele origin: germline.

Genetic Services Laboratory, University of Chicago
Classification: Likely benign. Last evaluated: 2020-07-16. Review status: criteria provided, single submitter. Criteria: ACMG Guidelines, 2015. Collection method: clinical testing. Allele origin: germline. Affected: no.

PreventionGenetics, part of Exact Sciences
Classification: Likely benign for ITGB3-related condition. Last evaluated: 2024-09-13. Review status: no assertion criteria provided. Collection method: clinical testing. Allele origin: germline. Not counted in ClinVar's aggregate classification.
Comment: This variant is classified as likely benign based on ACMG/AMP sequence variant interpretation guidelines (Richards et al. 2015 PMID: 25741868, with internal and published modifications).

NM_000212.3(ITGB3):c.1677G>A (p.Gly559=)

Gene: ITGB3 (integrin subunit beta 3; plus strand). Cytogenetic location: 17q21.32.
Variant type: single nucleotide variant.
Coding change: c.1677G>A on transcript NM_000212.3 (MANE Select); coding-DNA position 1677, G replaced by A.
Protein change: p.Gly559=; no amino-acid change (glycine 559 retained).
Molecular consequence: synonymous variant.
Genome position (GRCh38, 1-based): chr17:47,292,555, G>A. VCF-style: chr17-47292555-G-A. GRCh37 (hg19) VCF-style: chr17-45369921-G-A.
Identifiers: ClinVar variation 1337684 (VCV001337684.9), dbSNP rs141976972, ClinGen allele CA8623307.
Genomic context (GRCh38, chr17:47,292,555, plus strand): 5'-TGGCAAGATCACGGGCAAGTACTGCGAGTGTGACGACTTCTCCTGTGTCCGCTACAAGGG[G>A]GAGATGTGCTCAGGTGAGGAGAACTGCAGGGCCCCCTGTCCTGGAACCCACACCCCCTCA-3'
Protein context (NP_000203.2, residues 549-569): CDDFSCVRYK[Gly559=]EMCSGHGQCS